The following is an entry in ClinVar:

NM_000944.5(PPP3CA):c.1081+4T>A

Gene: PPP3CA (protein phosphatase 3 catalytic subunit alpha; minus strand). Cytogenetic location: 4q24.
Variant type: single nucleotide variant.
Coding change: c.1081+4T>A on transcript NM_000944.5 (MANE Select); 4 bases into the intron after coding-DNA position 1081, T replaced by A.
Molecular consequence: intron variant.
Genome position (GRCh38, 1-based): chr4:101,063,228, A>T on the plus strand (T>A on the coding strand, the complement: PPP3CA is on the minus strand). VCF-style: chr4-101063228-A-T. GRCh37 (hg19) VCF-style: chr4-101984385-A-T.
Other names: c.956-2067T>A (NM_001130692.2); c.1081+4T>A (NM_001130691.2).
Identifiers: ClinVar variation 2435231 (VCV002435231.6), dbSNP rs919155461, ClinGen allele CA102972908.

ClinVar aggregate classification (germline): Uncertain significance. Review status: criteria provided, multiple submitters, no conflicts (2 of 4 stars). 2 submissions from 2 submitters: Uncertain significance (2). Last evaluated 2024-09-23.

Allele frequency attached by ClinVar (database versions not stated): gnomAD 0.00001; TOPMed 0.00003.
gnomAD v4.1: 3 of 1,610,432 alleles (0.00019%); highest among the groups gnomAD compares: African/African-American, 0.004%; no homozygotes.

Submissions (2):

Labcorp Genetics (formerly Invitae), Labcorp
Classification: Uncertain significance. Last evaluated: 2024-09-23. Review status: criteria provided, single submitter. Criteria: Invitae Variant Classification Sherloc (09022015). Collection method: clinical testing. Allele origin: germline.
Comment: This sequence change falls in intron 9 of the PPP3CA gene. It does not directly change the encoded amino acid sequence of the PPP3CA protein. It affects a nucleotide within the consensus splice site. This variant is not present in population databases (gnomAD no frequency). This variant has not been reported in the literature in individuals affected with PPP3CA-related conditions. ClinVar contains an entry for this variant (Variation ID: 2435231). Variants that disrupt the consensus splice site are a relatively common cause of aberrant splicing (PMID: 17576681, 9536098). Algorithms developed to predict the effect of sequence changes on RNA splicing suggest that this variant is not likely to affect RNA splicing. In summary, the available evidence is currently insufficient to determine the role of this variant in disease. Therefore, it has been classified as a Variant of Uncertain Significance.

Revvity Omics, Revvity
Classification: Uncertain significance. Last evaluated: 2019-02-08. Review status: criteria provided, single submitter. Criteria: ACMG Guidelines, 2015. Collection method: clinical testing. Allele origin: germline.

Literature cited by the submitters: PubMed 17576681 (cited by Labcorp Genetics (formerly Invitae), Labcorp); PubMed 9536098 (cited by Labcorp Genetics (formerly Invitae), Labcorp).